The following is an entry in ClinVar:

ClinVar aggregate classification (germline): Uncertain significance (1 of 4 stars; one submission).

gnomAD v4.1: 2 of 1,614,068 alleles (0.00012%); highest among the groups gnomAD compares: East Asian, 0.0022%; no homozygotes.

Submission:

Ambry Genetics
Classification: Uncertain significance. Last evaluated: 2024-03-27. Review status: criteria provided, single submitter. Criteria: Ambry Variant Classification Scheme 2023. Collection method: clinical testing. Allele origin: germline.
Comment: The p.Y346F variant (also known as c.1037A>T), located in coding exon 6 of the MYLK2 gene, results from an A to T substitution at nucleotide position 1037. The tyrosine at codon 346 is replaced by phenylalanine, an amino acid with highly similar properties. This amino acid position is conserved. In addition, this alteration is predicted to be tolerated by in silico analysis. Based on the available evidence, the clinical significance of this alteration remains unclear.

NM_033118.4(MYLK2):c.1037A>T (p.Tyr346Phe)

Gene: MYLK2 (myosin light chain kinase 2; plus strand). Cytogenetic location: 20q11.21.
Variant type: single nucleotide variant.
Coding change: c.1037A>T on transcript NM_033118.4 (MANE Select); coding-DNA position 1037, A replaced by T.
Protein change: p.Tyr346Phe; replaces tyrosine 346 with phenylalanine.
Molecular consequence: missense variant.
Genome position (GRCh38, 1-based): chr20:31,826,669, A>T. VCF-style: chr20-31826669-A-T. GRCh37 (hg19) VCF-style: chr20-30414472-A-T.
Other names: short protein forms Y346F.
Identifiers: ClinVar variation 2608120 (VCV002608120.3), dbSNP rs774984976, ClinGen allele CA408526955.